The following is an entry in ClinVar:

ClinVar aggregate classification (germline): Likely benign (1 of 4 stars; one submission).

Conditions:
VMA22-related condition.

gnomAD v4.1: 7 of 1,613,304 alleles (0.00043%); highest among the groups gnomAD compares: African/African-American, 0.0027%; no homozygotes.

Submission:

PreventionGenetics, part of Exact Sciences
Classification: Likely benign for VMA22-related condition. Last evaluated: 2026-03-17. Review status: criteria provided, single submitter. Criteria: ACMG Guidelines, 2015. Collection method: clinical testing. Allele origin: germline.
Comment: This variant is classified as likely benign based on ACMG/AMP sequence variant interpretation guidelines (Richards et al. 2015 PMID: 25741868, with internal and published modifications).

NM_032357.4(VMA22):c.112-8C>G

Gene: VMA22 (vacuolar ATPase assembly factor VMA22; minus strand). Cytogenetic location: 2q21.1.
Variant type: single nucleotide variant.
Coding change: c.112-8C>G on transcript NM_032357.4 (MANE Select); 8 bases into the intron before coding-DNA position 112, C replaced by G.
Molecular consequence: intron variant.
Genome position (GRCh38, 1-based): chr2:130,341,952, G>C on the plus strand (C>G on the coding strand, the complement: VMA22 is on the minus strand). VCF-style: chr2-130341952-G-C. GRCh37 (hg19) VCF-style: chr2-131099525-G-C.
Other names: c.97-8C>G (NM_001321118.1); c.88-8C>G (NM_001321119.2).
Identifiers: ClinVar variation 4979835 (VCV004979835.1).